The following is an entry in ClinVar:

ClinVar aggregate classification (germline): Uncertain significance (1 of 4 stars; one submission).

Submission:

Labcorp Genetics (formerly Invitae), Labcorp
Classification: Uncertain significance. Last evaluated: 2024-12-06. Review status: criteria provided, single submitter. Criteria: Invitae Variant Classification Sherloc (09022015). Collection method: clinical testing. Allele origin: germline.
Comment: This sequence change replaces valine, which is neutral and non-polar, with alanine, which is neutral and non-polar, at codon 117 of the MOCS3 protein (p.Val117Ala). This variant is not present in population databases (gnomAD no frequency). This variant has not been reported in the literature in individuals affected with MOCS3-related conditions. ClinVar contains an entry for this variant (Variation ID: 2111376). An algorithm developed to predict the effect of missense changes on protein structure and function (PolyPhen-2) suggests that this variant is likely to be disruptive. In summary, the available evidence is currently insufficient to determine the role of this variant in disease. Therefore, it has been classified as a Variant of Uncertain Significance.

NM_014484.5(MOCS3):c.350T>C (p.Val117Ala)

Gene: MOCS3 (molybdenum cofactor synthesis 3; plus strand). Cytogenetic location: 20q13.13.
Variant type: single nucleotide variant.
Coding change: c.350T>C on transcript NM_014484.5 (MANE Select); coding-DNA position 350, T replaced by C.
Protein change: p.Val117Ala; replaces valine 117 with alanine.
Molecular consequence: missense variant.
Genome position (GRCh38, 1-based): chr20:50,959,192, T>C. VCF-style: chr20-50959192-T-C. GRCh37 (hg19) VCF-style: chr20-49575729-T-C.
Other names: short protein forms V117A.
Identifiers: ClinVar variation 2111376 (VCV002111376.4), dbSNP rs1987014895, ClinGen allele CA408982838.